The following is an entry in ClinVar:

ClinVar aggregate classification (germline): Conflicting classifications of pathogenicity. Review status: criteria provided, conflicting classifications (1 of 4 stars). 7 submissions from 7 submitters: Uncertain significance (5); Likely benign (1). 1 of the submissions does not count toward it. Last evaluated 2025-05-13.

Conditions:
Hereditary nonpolyposis colorectal neoplasms. Identifiers: MedGen C0009405, MeSH D003123.
Hereditary cancer-predisposing syndrome. Also called: Hereditary neoplastic syndrome; Neoplastic Syndromes, Hereditary; Hereditary Cancer Syndrome; Tumor predisposition. Identifiers: Orphanet 140162, MedGen C0027672, MeSH D009386, MONDO:0015356.
Lynch syndrome. Identifiers: Orphanet 144, MedGen C4552100, MONDO:0005835. Disease mechanism: loss of function.
Lynch syndrome 4 (LYNCH4). Also called: Colorectal cancer, hereditary nonpolyposis, type 4; Hereditary non-polyposis colorectal cancer, type 4. Identifiers: Orphanet 144, MedGen C1838333, MONDO:0013699, OMIM 614337. Disease mechanism: loss of function.

Allele frequency attached by ClinVar (database versions not stated): 1000 Genomes Project 30x 0.00031.
gnomAD v4.1: 31 of 1,612,214 alleles (0.0019%); highest among the groups gnomAD compares: South Asian, 0.034%; 1 homozygote.

Submissions (7):

Labcorp Genetics (formerly Invitae), Labcorp
Classification: Likely benign for Hereditary nonpolyposis colorectal neoplasms. Last evaluated: 2025-05-13. Review status: criteria provided, single submitter. Criteria: Invitae Variant Classification Sherloc (09022015). Collection method: clinical testing. Allele origin: germline.

Color Diagnostics, LLC DBA Color Health
Classification: Uncertain significance for Hereditary cancer-predisposing syndrome. Last evaluated: 2025-02-18. Review status: criteria provided, single submitter. Criteria: ACMG Guidelines, 2015. Collection method: clinical testing. Allele origin: germline.
Comment: This missense variant replaces glutamic acid with aspartic acid at codon 347 of the PMS2 protein. Computational prediction suggests that this variant may not impact protein structure and function (internally defined REVEL score threshold <= 0.5, PMID: 27666373). To our knowledge, functional studies have not been reported for this variant. This variant has been reported in an individual affected with colorectal cancer that demonstrated microsatellite stability (PMID: 31350202). This variant has been identified in 31/1612214 chromosomes in the general population by the Genome Aggregation Database (gnomAD). The available evidence is insufficient to determine the role of this variant in disease conclusively. Therefore, this variant is classified as a Variant of Uncertain Significance.

GeneDx
Classification: Uncertain significance. Last evaluated: 2024-12-27. Review status: criteria provided, single submitter. Criteria: GeneDx Variant Classification Process June 2021. Collection method: clinical testing. Allele origin: germline. Affected: yes.
Comment: Observed in an individual with a personal and family history of Lynch syndrome-related cancers (PMID: 31350202); In silico analysis indicates that this missense variant does not alter protein structure/function; This variant is associated with the following publications: (PMID: 32210335, 30787465, 11574484, 31350202)

Ambry Genetics
Classification: Uncertain significance for Hereditary cancer-predisposing syndrome. Last evaluated: 2024-08-05. Review status: criteria provided, single submitter. Criteria: Ambry Variant Classification Scheme 2023. Collection method: clinical testing. Allele origin: germline.
Comment: The p.E347D variant (also known as c.1041G>C), located in coding exon 10 of the PMS2 gene, results from a G to C substitution at nucleotide position 1041. The glutamic acid at codon 347 is replaced by aspartic acid, an amino acid with highly similar properties. This amino acid position is well conserved in available vertebrate species. In addition, this alteration is predicted to be tolerated by in silico analysis. Since supporting evidence is limited at this time, the clinical significance of this alteration remains unclear.

All of Us Research Program, National Institutes of Health
Classification: Uncertain significance for Lynch syndrome. Last evaluated: 2023-11-09. Review status: criteria provided, single submitter. Criteria: ACMG Guidelines, 2015. Collection method: clinical testing. Allele origin: germline. Inheritance: Autosomal dominant inheritance. Observed: 1 variant allele, 1 heterozygote.
Comment: This missense variant replaces glutamic acid with aspartic acid at codon 347 of the PMS2 protein. Computational prediction suggests that this variant may not impact protein structure and function (internally defined REVEL score threshold <= 0.5, PMID: 27666373). To our knowledge, functional studies have not been reported for this variant. This variant has been reported in an individual affected with Lynch syndrome (PMID: 31350202). This variant has been identified in 11/251116 chromosomes in the general population by the Genome Aggregation Database (gnomAD). The available evidence is insufficient to determine the role of this variant in disease conclusively. Therefore, this variant is classified as a Variant of Uncertain Significance.

This study involves interpretation of variants in research participants for the purpose of population health screening. Participant phenotype was not available at the time of variant classification. Additional details can be found in publication PMID: 35346344, PMCID: PMC8962531

Myriad Genetics, Inc.
Classification: Uncertain significance for Lynch syndrome 4. Last evaluated: 2023-04-05. Review status: criteria provided, single submitter. Criteria: Myriad Autosomal Dominant, Autosomal Recessive and X-Linked Classification Criteria (2023). Collection method: clinical testing. Allele origin: unknown.
Comment: This variant is classified as a variant of uncertain significance as there is insufficient evidence to determine its impact on protein function and/or cancer risk.

Counsyl
Classification: Uncertain significance for Lynch syndrome 4. Last evaluated: 2015-11-23. Review status: no assertion criteria provided. Collection method: clinical testing. Allele origin: unknown. Not counted in ClinVar's aggregate classification.

Literature cited by the submitters: PubMed 31350202 (cited by Color Diagnostics, LLC DBA Color Health and All of Us Research Program, National Institutes of Health).

NM_000535.7(PMS2):c.1041G>C (p.Glu347Asp)

Gene: PMS2 (PMS1 homolog 2, mismatch repair system component; minus strand). Cytogenetic location: 7p22.1.
Variant type: single nucleotide variant.
Coding change: c.1041G>C on transcript NM_000535.7 (MANE Select); coding-DNA position 1041, G replaced by C.
Protein change: p.Glu347Asp; replaces glutamic acid 347 with aspartic acid.
Molecular consequence: missense variant. On other transcripts: non-coding transcript variant (1), intron variant (2).
Genome position (GRCh38, 1-based): chr7:5,989,903, C>G on the plus strand (G>C on the coding strand, the complement: PMS2 is on the minus strand). VCF-style: chr7-5989903-C-G. GRCh37 (hg19) VCF-style: chr7-6029534-C-G.
Other names: p.E347D:GAG>GAC; c.636G>C, p.Glu212Asp (NM_001322003.2, NM_001322004.2, NM_001322005.2 and 1 more transcripts); c.723G>C, p.Glu241Asp (NM_001322007.2, NM_001322008.2); c.108G>C, p.Glu36Asp (NM_001322011.2, NM_001322012.2); c.468G>C, p.Glu156Asp (NM_001322013.2); c.1041G>C, p.Glu347Asp (NM_001322014.2); c.732G>C, p.Glu244Asp (NM_001322015.2); c.583+2070G>C (NM_001322010.2); and 1 more; short protein forms E347D, E156D, E212D, E241D, E244D, E36D.
Identifiers: ClinVar variation 127752 (VCV000127752.28), dbSNP rs150515238, ClinGen allele CA009125.